The following is an entry in ClinVar:

NM_001329943.3(KIAA0586):c.4295T>G (p.Leu1432Ter)

Gene: KIAA0586 (KIAA0586; plus strand). Cytogenetic location: 14q23.1.
Variant type: single nucleotide variant.
Coding change: c.4295T>G on transcript NM_001329943.3 (MANE Select); coding-DNA position 4295, T replaced by G.
Protein change: p.Leu1432Ter; replaces leucine 1432 with a stop codon.
Molecular consequence: nonsense.
Genome position (GRCh38, 1-based): chr14:58,508,681, T>G. VCF-style: chr14-58508681-T-G. GRCh37 (hg19) VCF-style: chr14-58975399-T-G.
Other names: c.4454T>G, p.Leu1485Ter (NM_001244189.2); c.4250T>G, p.Leu1417Ter (NM_001244190.2); c.4040T>G, p.Leu1347Ter (NM_001244191.2, NM_001329945.2, NM_001364700.1 and 1 more transcripts); c.4163T>G, p.Leu1388Ter (NM_001244192.2, NM_001329947.2); c.3875T>G, p.Leu1292Ter (NM_001244193.2); c.4295T>G, p.Leu1432Ter (NM_001329944.2, NM_001329946.2); c.4067T>G, p.Leu1356Ter (NM_014749.5); short protein forms L1347*, L1432*, L1485*, L1356*, L1388*, L1292*, L1417*.
Identifiers: ClinVar variation 816963 (VCV000816963.1), dbSNP rs1595428826, ClinGen allele CA390057941.

ClinVar aggregate classification (germline): Likely pathogenic (1 of 4 stars; one submission).

Submission:

GeneDx
Classification: Likely pathogenic. Last evaluated: 2019-02-12. Review status: criteria provided, single submitter. Criteria: GeneDx Variant Classification (06012015). Collection method: clinical testing. Allele origin: germline. Affected: yes.
Comment: The L1485X variant in the KIAA0586 gene has not been reported previously as a pathogenic variant nor as a benign variant, to our knowledge. This variant is predicted to cause loss of normal protein function either through protein truncation or nonsense-mediated mRNA decay. The L1485X variant is not observed in large population cohorts (Lek et al., 2016). We interpret L1485X as a likely pathogenic variant.